The following is an entry in ClinVar:

NM_001378454.1(ALMS1):c.12251G>A (p.Arg4084Lys)

Genes: ALMS1 (ALMS1 centrosome and basal body associated protein; plus strand), LOC126806252 (BRD4-independent group 4 enhancer GRCh37_chr2:73828496-73829695; plus strand). Cytogenetic location: 2p13.1.
Variant type: single nucleotide variant.
Coding change: c.12251G>A on transcript NM_001378454.1 (MANE Select); coding-DNA position 12251, G replaced by A.
Protein change: p.Arg4084Lys; replaces arginine 4084 with lysine.
Molecular consequence: missense variant.
Genome position (GRCh38, 1-based): chr2:73,602,321, G>A. VCF-style: chr2-73602321-G-A. GRCh37 (hg19) VCF-style: chr2-73829448-G-A.
Other names: c.12254G>A, p.Arg4085Lys (NM_015120.4); short protein forms R4084K, R4085K.
Identifiers: ClinVar variation 4989577 (VCV004989577.1).
Genomic context (GRCh38, chr2:73,602,321, plus strand): 5'-AGGAGAGGAAGCTGCAGAGCATGTTACAGACCGAGCGGGATGCACTATTCAACATTGACA[G>A]GGAACGGCAGGGCCACCAGAATCGCATGTGCCCGCTGCCCAAGAGAGGTACGCCCTGCCC-3'
Protein context (NP_001365383.1, residues 4074-4094): TERDALFNID[Arg4084Lys]ERQGHQNRMC

ClinVar aggregate classification (germline): Uncertain significance (1 of 4 stars; one submission).

Conditions:
ALMS1-related disorder. Also called: ALMS1-related condition.

gnomAD v4.1: 2 of 1,614,198 alleles (0.00012%); highest among the groups gnomAD compares: Non-Finnish European, 0.00017%; no homozygotes.

Submission:

PreventionGenetics, part of Exact Sciences
Classification: Uncertain significance for ALMS1-related condition. Last evaluated: 2025-03-12. Review status: criteria provided, single submitter. Criteria: ACMG Guidelines, 2015. Collection method: clinical testing. Allele origin: germline.
Comment: The ALMS1 c.12254G>A variant is predicted to result in the amino acid substitution p.Arg4085Gln. To our knowledge, this variant has not been reported in the literature. This variant is reported in 0.010% of alleles in individuals of East Asian descent in gnomAD. At this time, the clinical significance of this variant is uncertain due to the absence of conclusive functional and genetic evidence.